The following is an entry in ClinVar:

NM_004415.4(DSP):c.991C>T (p.Gln331Ter)

Gene: DSP (desmoplakin; plus strand). Cytogenetic location: 6p24.3.
Variant type: single nucleotide variant.
Coding change: c.991C>T on transcript NM_004415.4 (MANE Select); coding-DNA position 991, C replaced by T.
Protein change: p.Gln331Ter; replaces glutamine 331 with a stop codon.
Molecular consequence: nonsense.
Genome position (GRCh38, 1-based): chr6:7,566,428, C>T. VCF-style: chr6-7566428-C-T. GRCh37 (hg19) VCF-style: chr6-7566661-C-T.
Other names: c.991C>T, p.Gln331Ter (NM_001008844.3, NM_001319034.2, LRG_423t1); short protein forms Q331*.
Identifiers: ClinVar variation 16836 (VCV000016836.8), dbSNP rs121912991, ClinGen allele CA007905.
Genomic context (GRCh38, chr6:7,566,428, plus strand): 5'-CATTCACAGATACGCATGAGTCAACTGGAAGTTAAAGAAAAAGAGCTCAATAAGCTGAAA[C>T]AAGAAAGTGACCAACTTGTCCTCAATCAGCATCCAGCTTCAGACAAAATTGAGGTAGGCT-3'

ClinVar aggregate classification (germline): Pathogenic. Review status: criteria provided, multiple submitters, no conflicts (2 of 4 stars). 3 submissions from 3 submitters: Pathogenic (2). 1 of the submissions does not count toward it. Last evaluated 2023-12-30.

Conditions:
Cardiovascular phenotype. Identifiers: MedGen CN230736.
Arrhythmogenic right ventricular dysplasia 8 (ARVD8). Also called: Arrhythmogenic Right Ventricular Dysplasia/Cardiomyopathy 8; ARRHYTHMOGENIC RIGHT VENTRICULAR DYSPLASIA, FAMILIAL, 8; ARRHYTHMOGENIC RIGHT VENTRICULAR CARDIOMYOPATHY 8. Identifiers: MedGen C1843896, MONDO:0011831, OMIM 607450.
Arrhythmogenic cardiomyopathy with wooly hair and keratoderma. Also called: Dilated cardiomyopathy with woolly hair and keratoderma; Carvajal syndrome; Arrhythmogenic cardiomyopathy with woolly hair and keratoderma; PALMOPLANTAR KERATODERMA WITH LEFT VENTRICULAR CARDIOMYOPATHY AND WOOLLY HAIR. Identifiers: Orphanet 65282, MedGen C1854063, MONDO:0011581, OMIM 605676.
Keratosis palmoplantaris striata 2. Also called: Keratosis palmoplantaris striata II; KERATODERMA, PALMOPLANTAR, STRIATE FORM II; STRIATE PALMOPLANTAR KERATODERMA II. Identifiers: MedGen C1852127, MONDO:0013034, OMIM 612908.

Submissions (3):

Labcorp Genetics (formerly Invitae), Labcorp
Classification: Pathogenic for Arrhythmogenic cardiomyopathy with wooly hair and keratoderma; Arrhythmogenic right ventricular dysplasia 8. Last evaluated: 2023-12-30. Review status: criteria provided, single submitter. Criteria: Invitae Variant Classification Sherloc (09022015). Collection method: clinical testing. Allele origin: germline.
Comment: This sequence change creates a premature translational stop signal (p.Gln331*) in the DSP gene. It is expected to result in an absent or disrupted protein product. Loss-of-function variants in DSP are known to be pathogenic (PMID: 20716751, 24503780, 25227139). This variant is not present in population databases (gnomAD no frequency). This premature translational stop signal has been observed in individual(s) with arrhythmogenic right ventricular cardiomyopathy and/or palmoplantar keratoderma (PMID: 9887343, 25825460). ClinVar contains an entry for this variant (Variation ID: 16836). For these reasons, this variant has been classified as Pathogenic.

Ambry Genetics
Classification: Pathogenic for Cardiovascular phenotype. Last evaluated: 2020-11-10. Review status: criteria provided, single submitter. Criteria: Ambry Variant Classification Scheme 2023. Collection method: clinical testing. Allele origin: germline.
Comment: The p.Q331* pathogenic mutation (also known as c.991C>T), located in coding exon 8 of the DSP gene, results from a C to T substitution at nucleotide position 991. This changes the amino acid from a glutamine to a stop codon within coding exon 8. This variant has been reported to segregate in an autosomal dominant fashion in a family with palmoplantar keratoderma in which cardiovascular findings were not reported; however, it is unclear if cardiovascular examinations were performed (Armstrong DK et al. Hum Mol Genet, 1999 Jan;8:143-8). Alterations in DSP that result in haploinsufficiency or protein truncation have been reported in patients with arrhythmogenic right ventricular cardiomyopathy (ARVC) and dilated cardiomyopathy (DCM) (Fressart V et al. Europace. 2010;12(6):861-8; Elliott P et al. Circ Cardiovasc Genet. 2010;3(4):314-22; Quarta G et al. Circulation. 2011;123(23):2701-9; Garcia-Pavia P et al. Heart. 2011;97(21):1744-52; Rasmussen TB et al. Clin Genet. 2013;84(1):20-30; Pugh TJ et al. Genet Med. 2014;16(8):601-8). This alteration is expected to result in loss of function by premature protein truncation or nonsense-mediated mRNA decay. Based on the supporting evidence, this alteration is interpreted as a disease-causing mutation.

OMIM
Classification: Pathogenic for KERATOSIS PALMOPLANTARIS STRIATA II. Last evaluated: 1999-01-01. Review status: no assertion criteria provided. Collection method: literature only. Allele origin: germline. Not counted in ClinVar's aggregate classification.

Literature cited by the submitters: PubMed 20716751 (cited by Labcorp Genetics (formerly Invitae), Labcorp); PubMed 24503780 (cited by Labcorp Genetics (formerly Invitae), Labcorp); PubMed 25227139 (cited by Labcorp Genetics (formerly Invitae), Labcorp); PubMed 9887343 (cited by 3 submitters); PubMed 25825460 (cited by Labcorp Genetics (formerly Invitae), Labcorp); PubMed 22454510 (cited by Ambry Genetics).